The following is an entry in ClinVar:

NM_004621.6(TRPC6):c.2555C>T (p.Pro852Leu)

Gene: TRPC6 (transient receptor potential cation channel subfamily C member 6; minus strand). Cytogenetic location: 11q22.1.
Variant type: single nucleotide variant.
Coding change: c.2555C>T on transcript NM_004621.6 (MANE Select); coding-DNA position 2555, C replaced by T.
Protein change: p.Pro852Leu; replaces proline 852 with leucine.
Molecular consequence: missense variant.
Genome position (GRCh38, 1-based): chr11:101,455,031, G>A on the plus strand (C>T on the coding strand, the complement: TRPC6 is on the minus strand). VCF-style: chr11-101455031-G-A. GRCh37 (hg19) VCF-style: chr11-101325762-G-A.
Other names: short protein forms P852L.
Identifiers: ClinVar variation 1494646 (VCV001494646.6), dbSNP rs370081781, ClinGen allele CA6244081.
Genomic context (GRCh38, chr11:101,455,031, plus strand): 5'-AAATATTACAAGTAACTAGTTTTATTCCTTTAAAAATCCATGCTTACCTGATATTGTCTT[G>A]GAGGATTATTGAAACTATTTAGATGGAAATCTTCTGAGCTCCTTATACTTGGTTGTTTAT-3'
Protein context (NP_004612.2, residues 842-862): DFHLNSFNNP[Pro852Leu]RQYQKIMKRL

ClinVar aggregate classification (germline): Uncertain significance (1 of 4 stars; one submission).

Allele frequency attached by ClinVar (database versions not stated): ExAC 0.00001; gnomAD 0.00001; TOPMed 0.00001; gnomAD exomes 0.00002 and 0.00003; ESP Exome Variant Server 0.00008.
gnomAD v4.1: 44 of 1,611,526 alleles (0.0027%); highest among the groups gnomAD compares: Non-Finnish European, 0.0035%; no homozygotes.

Submission:

Labcorp Genetics (formerly Invitae), Labcorp
Classification: Uncertain significance. Last evaluated: 2025-06-12. Review status: criteria provided, single submitter. Criteria: Invitae Variant Classification Sherloc (09022015). Collection method: clinical testing. Allele origin: germline.
Comment: This sequence change replaces proline, which is neutral and non-polar, with leucine, which is neutral and non-polar, at codon 852 of the TRPC6 protein (p.Pro852Leu). This variant is present in population databases (rs370081781, gnomAD 0.006%). This variant has not been reported in the literature in individuals affected with TRPC6-related conditions. ClinVar contains an entry for this variant (Variation ID: 1494646). Invitae Evidence Modeling of protein sequence and biophysical properties (such as structural, functional, and spatial information, amino acid conservation, physicochemical variation, residue mobility, and thermodynamic stability) indicates that this missense variant is not expected to disrupt TRPC6 protein function with a negative predictive value of 95%. In summary, the available evidence is currently insufficient to determine the role of this variant in disease. Therefore, it has been classified as a Variant of Uncertain Significance.